The following is an entry in ClinVar:

NM_001393769.1(MED12L):c.5507C>T (p.Ser1836Phe)

Gene: MED12L (mediator complex subunit 12L; plus strand). Cytogenetic location: 3q25.1.
Variant type: single nucleotide variant.
Coding change: c.5507C>T on transcript NM_001393769.1 (MANE Select); coding-DNA position 5507, C replaced by T.
Protein change: p.Ser1836Phe; replaces serine 1836 with phenylalanine.
Molecular consequence: missense variant.
Genome position (GRCh38, 1-based): chr3:151,390,034, C>T. VCF-style: chr3-151390034-C-T. GRCh37 (hg19) VCF-style: chr3-151107822-C-T.
Other names: c.5402C>T, p.Ser1801Phe (NM_053002.6); short protein forms S1801F, S1836F.
Identifiers: ClinVar variation 3394524 (VCV003394524.2).

ClinVar aggregate classification (germline): Conflicting classifications of pathogenicity. Review status: criteria provided, conflicting classifications (1 of 4 stars). 2 submissions from 2 submitters: Uncertain significance (1); Likely benign (1). Last evaluated 2026-03-05.

Conditions:
Inborn genetic diseases. Identifiers: MedGen C0950123, MeSH D030342.
Nizon-Isidor syndrome. Identifiers: MedGen C5394350, MONDO:0030030, OMIM 618872.

gnomAD v4.1: 20 of 1,614,014 alleles (0.0012%); highest among the groups gnomAD compares: Admixed American, 0.0017%; no homozygotes.

Submissions (2):

Centre for Medical Genetics,  Mumbai
Classification: Likely benign for Nizon-Isidor syndrome. Last evaluated: 2026-03-05. Review status: criteria provided, single submitter. Criteria: ACMG Guidelines, 2015. Collection method: provider interpretation. Allele origin: germline. Inheritance: Autosomal dominant inheritance. Affected: no. Observed: 1 variant allele, 1 heterozygote.
Comment: The variant satisfies PM2 criteria; Extremely low frequency in gnomAD population databases. The variant satisfies PP2 criteria; Missense variant in a gene with low rate of benign missense mutations and for which missense mutation is a common mechanism of a disease. The variant satisfies BP4 criteria; For a missense or a splice region variant, computational prediction tools unanimously support a benign effect on the gene. However, the variant satisfies BS2 criteria.

Ambry Genetics
Classification: Uncertain significance for Inborn genetic diseases. Last evaluated: 2024-07-27. Review status: criteria provided, single submitter. Criteria: Ambry Variant Classification Scheme 2023. Collection method: clinical testing. Allele origin: germline.

Literature cited by the submitters: PubMed 31155615 (cited by Centre for Medical Genetics,  Mumbai).